The following is an entry in ClinVar:

NM_001903.5(CTNNA1):c.1547-9G>T

Gene: CTNNA1 (catenin alpha 1; plus strand). Cytogenetic location: 5q31.2.
Variant type: single nucleotide variant.
Coding change: c.1547-9G>T on transcript NM_001903.5 (MANE Select); 9 bases into the intron before coding-DNA position 1547, G replaced by T.
Molecular consequence: intron variant.
Genome position (GRCh38, 1-based): chr5:138,924,501, G>T. VCF-style: chr5-138924501-G-T. GRCh37 (hg19) VCF-style: chr5-138260190-G-T.
Other names: c.1547-9G>T (NM_001323982.2, NM_001323984.2, NM_001290307.3 and 2 more transcripts); c.1454-9G>T (NM_001323986.2); c.1178-9G>T (NM_001290310.3); c.1238-9G>T (NM_001290309.3); c.437-9G>T (NM_001323996.1, NM_001323993.1, NM_001324005.1 and 17 more transcripts); c.98-9G>T (NM_001324007.1, NM_001324009.1, NM_001324006.1 and 2 more transcripts); c.194-9G>T (NM_001324013.1, NM_001324012.1); c.344-9G>T (NM_001324011.1).
Identifiers: ClinVar variation 2880038 (VCV002880038.4), dbSNP rs370061694, ClinGen allele CA563498241.

ClinVar aggregate classification (germline): Likely benign. Review status: criteria provided, multiple submitters, no conflicts (2 of 4 stars). 2 submissions from 2 submitters: Likely benign (2). Last evaluated 2024-10-11.

Conditions:
Hereditary diffuse gastric adenocarcinoma (HDGC). Also called: DIFFUSE GASTRIC AND LOBULAR BREAST CANCER SYNDROME. Identifiers: Orphanet 26106, MedGen C1708349, MONDO:0007648, OMIM 137215.

Submissions (2):

Myriad Genetics, Inc.
Classification: Likely benign for Hereditary diffuse gastric adenocarcinoma. Last evaluated: 2024-10-11. Review status: criteria provided, single submitter. Criteria: Myriad Autosomal Dominant, Autosomal Recessive and X-Linked Classification Criteria (2023). Collection method: clinical testing. Allele origin: unknown.
Comment: This variant is considered likely benign. This variant is intronic and is not expected to impact mRNA splicing.

Labcorp Genetics (formerly Invitae), Labcorp
Classification: Likely benign. Last evaluated: 2023-03-16. Review status: criteria provided, single submitter. Criteria: Invitae Variant Classification Sherloc (09022015). Collection method: clinical testing. Allele origin: germline.